The following is an entry in ClinVar:

ClinVar aggregate classification (germline): Uncertain significance (1 of 4 stars; one submission).

Submission:

CeGaT Center for Human Genetics Tuebingen
Classification: Uncertain significance. Last evaluated: 2026-02-01. Review status: criteria provided, single submitter. Criteria: CeGaT Center For Human Genetics Tuebingen Variant Classification Criteria Version 2. Collection method: clinical testing. Allele origin: germline. Affected: yes. Observed: 1 variant allele.
Comment: VPS13C: PM2

NM_020821.3(VPS13C):c.2938A>G (p.Ile980Val)

Gene: VPS13C (vacuolar protein sorting 13 homolog C; minus strand). Cytogenetic location: 15q22.2.
Variant type: single nucleotide variant.
Coding change: c.2938A>G on transcript NM_020821.3 (MANE Select); coding-DNA position 2938, A replaced by G.
Protein change: p.Ile980Val; replaces isoleucine 980 with valine.
Molecular consequence: missense variant.
Genome position (GRCh38, 1-based): chr15:61,967,421, T>C on the plus strand (A>G on the coding strand, the complement: VPS13C is on the minus strand). VCF-style: chr15-61967421-T-C. GRCh37 (hg19) VCF-style: chr15-62259620-T-C.
Other names: c.2809A>G, p.Ile937Val (NM_017684.5, NM_018080.4); c.2938A>G, p.Ile980Val (NM_001018088.3); short protein forms I937V, I980V.
Identifiers: ClinVar variation 4823173 (VCV004823173.4).
Genomic context (GRCh38, chr15:61,967,421, plus strand): 5'-CCCTTACCTTAATATACTCCACTTTCAAAAGATCTAATCCAGGTTTGTCAGAAGAGCTAA[T>C]CAAGTGAAGGGGCTTCCTTTTGGATCCTAGATTAAAGAAAAAGGAAAAAAAAGTGTTTCA-3'
Protein context (NP_065872.1, residues 970-990): EGSKRKPLHL[Ile980Val]SSSDKPGLDL